The following is an entry in ClinVar:

NM_003331.5(TYK2):c.3539C>T (p.Ala1180Val)

Gene: TYK2 (tyrosine kinase 2; minus strand). Cytogenetic location: 19p13.2.
Variant type: single nucleotide variant.
Coding change: c.3539C>T on transcript NM_003331.5 (MANE Select); coding-DNA position 3539, C replaced by T.
Protein change: p.Ala1180Val; replaces alanine 1180 with valine.
Molecular consequence: missense variant.
Genome position (GRCh38, 1-based): chr19:10,350,859, G>A on the plus strand (C>T on the coding strand, the complement: TYK2 is on the minus strand). VCF-style: chr19-10350859-G-A. GRCh37 (hg19) VCF-style: chr19-10461535-G-A.
Other names: c.3428C>T, p.Ala1143Val (NM_001385197.1); c.3389C>T, p.Ala1130Val (NM_001385198.1); c.3353C>T, p.Ala1118Val (NM_001385199.1); c.3536C>T, p.Ala1179Val (NM_001385200.1); c.3341C>T, p.Ala1114Val (NM_001385201.1); c.3455C>T, p.Ala1152Val (NM_001385202.1); c.3620C>T, p.Ala1207Val (NM_001385203.1); c.3749C>T, p.Ala1250Val (NM_001385204.1); and 4 more; short protein forms A1130V, A1150V, A1250V, A1114V, A1179V, A1118V, A1143V, A1152V.
Identifiers: ClinVar variation 2001831 (VCV002001831.4), dbSNP rs2512433205, ClinGen allele CA403979567.

ClinVar aggregate classification (germline): Uncertain significance (1 of 4 stars; one submission).

Conditions:
Immunodeficiency 35 (IMD35). Also called: TYK2 DEFICIENCY; Susceptibility to infection due to TYK2 deficiency; HIES WITH ATYPICAL MYCOBACTERIOSIS, AUTOSOMAL RECESSIVE; HYPER-IgE SYNDROME WITH ATYPICAL MYCOBACTERIOSIS, AUTOSOMAL RECESSIVE. Identifiers: Orphanet 331226, MedGen C1969086, MONDO:0012682, OMIM 611521.

Submission:

Labcorp Genetics (formerly Invitae), Labcorp
Classification: Uncertain significance for Immunodeficiency 35. Last evaluated: 2022-06-15. Review status: criteria provided, single submitter. Criteria: Invitae Variant Classification Sherloc (09022015). Collection method: clinical testing. Allele origin: germline.
Comment: In summary, the available evidence is currently insufficient to determine the role of this variant in disease. Therefore, it has been classified as a Variant of Uncertain Significance. Algorithms developed to predict the effect of missense changes on protein structure and function output the following: SIFT: "Not Available"; PolyPhen-2: "Benign"; Align-GVGD: "Not Available". The valine amino acid residue is found in multiple mammalian species, which suggests that this missense change does not adversely affect protein function. This variant has not been reported in the literature in individuals affected with TYK2-related conditions. This variant is not present in population databases (gnomAD no frequency). This sequence change replaces alanine, which is neutral and non-polar, with valine, which is neutral and non-polar, at codon 1180 of the TYK2 protein (p.Ala1180Val).